The following is an entry in ClinVar:

NM_005546.4(ITK):c.1371G>T (p.Glu457Asp)

Gene: ITK (IL2 inducible T cell kinase; plus strand). Cytogenetic location: 5q33.3.
Variant type: single nucleotide variant.
Coding change: c.1371G>T on transcript NM_005546.4 (MANE Select); coding-DNA position 1371, G replaced by T.
Protein change: p.Glu457Asp; replaces glutamic acid 457 with aspartic acid.
Molecular consequence: missense variant.
Genome position (GRCh38, 1-based): chr5:157,244,400, G>T. VCF-style: chr5-157244400-G-T. GRCh37 (hg19) VCF-style: chr5-156671410-G-T.
Other names: short protein forms E457D.
Identifiers: ClinVar variation 1430779 (VCV001430779.7), dbSNP rs746321007, ClinGen allele CA3533065.

ClinVar aggregate classification (germline): Uncertain significance (1 of 4 stars; one submission).

Conditions:
Lymphoproliferative syndrome 1 (LPFS1). Identifiers: Orphanet 238505, Orphanet 538963, MedGen C3552634, MONDO:0013081, OMIM 613011.

Allele frequency attached by ClinVar (database versions not stated): ExAC 0.00001; gnomAD exomes 0.00001; gnomAD 0.00002 and 0.00003; TOPMed 0.00002.
gnomAD v4.1: 3 of 1,613,998 alleles (0.00019%); highest among the groups gnomAD compares: African/African-American, 0.004%; no homozygotes.

Submission:

Labcorp Genetics (formerly Invitae), Labcorp
Classification: Uncertain significance for Lymphoproliferative syndrome 1. Last evaluated: 2022-04-01. Review status: criteria provided, single submitter. Criteria: Invitae Variant Classification Sherloc (09022015). Collection method: clinical testing. Allele origin: germline.
Comment: In summary, the available evidence is currently insufficient to determine the role of this variant in disease. Therefore, it has been classified as a Variant of Uncertain Significance. Advanced modeling of protein sequence and biophysical properties (such as structural, functional, and spatial information, amino acid conservation, physicochemical variation, residue mobility, and thermodynamic stability) performed at Invitae indicates that this missense variant is not expected to disrupt ITK protein function. This variant has not been reported in the literature in individuals affected with ITK-related conditions. This variant is present in population databases (rs746321007, gnomAD 0.01%). This sequence change replaces glutamic acid, which is acidic and polar, with aspartic acid, which is acidic and polar, at codon 457 of the ITK protein (p.Glu457Asp).